The following is an entry in ClinVar:

NM_001329998.2(TRANK1):c.3714G>T (p.Glu1238Asp)

Gene: TRANK1 (tetratricopeptide repeat and ankyrin repeat containing 1; minus strand). Cytogenetic location: 3p22.2.
Variant type: single nucleotide variant.
Coding change: c.3714G>T on transcript NM_001329998.2 (MANE Select); coding-DNA position 3714, G replaced by T.
Protein change: p.Glu1238Asp; replaces glutamic acid 1238 with aspartic acid.
Molecular consequence: missense variant.
Genome position (GRCh38, 1-based): chr3:36,856,008, C>A on the plus strand (G>T on the coding strand, the complement: TRANK1 is on the minus strand). VCF-style: chr3-36856008-C-A. GRCh37 (hg19) VCF-style: chr3-36897499-C-A.
Other names: c.3582G>T, p.Glu1194Asp (NM_014831.3); short protein forms E1194D, E1238D.
Identifiers: ClinVar variation 4681443 (VCV004681443.5).

ClinVar aggregate classification (germline): Likely benign (1 of 4 stars; one submission).

gnomAD v4.1: 81 of 1,613,572 alleles (0.005%); highest among the groups gnomAD compares: Non-Finnish European, 0.0068%; 1 homozygote.

Submission:

CeGaT Center for Human Genetics Tuebingen
Classification: Likely benign. Last evaluated: 2025-12-01. Review status: criteria provided, single submitter. Criteria: CeGaT Center For Human Genetics Tuebingen Variant Classification Criteria Version 2. Collection method: clinical testing. Allele origin: germline. Affected: yes. Observed: 1 variant allele.
Comment: TRANK1: BP4